The following is an entry in ClinVar:

NM_021942.6(TRAPPC11):c.1287+3A>G

Gene: TRAPPC11 (trafficking protein particle complex subunit 11; plus strand). Cytogenetic location: 4q35.1.
Variant type: single nucleotide variant.
Coding change: c.1287+3A>G on transcript NM_021942.6 (MANE Select); 3 bases into the intron after coding-DNA position 1287, A replaced by G.
Molecular consequence: intron variant.
Genome position (GRCh38, 1-based): chr4:183,684,057, A>G. VCF-style: chr4-183684057-A-G. GRCh37 (hg19) VCF-style: chr4-184605210-A-G.
Other names: c.1287+3A>G (NM_199053.3).
Identifiers: ClinVar variation 2022072 (VCV002022072.4), dbSNP rs2476868905, ClinGen allele CA2580071683.

ClinVar aggregate classification (germline): Uncertain significance (1 of 4 stars; one submission).

Conditions:
Autosomal recessive limb-girdle muscular dystrophy type R18 (LGMDR18). Also called: Limb-girdle muscular dystrophy, type 2S; MUSCULAR DYSTROPHY, LIMB-GIRDLE, AUTOSOMAL RECESSIVE 18; Autosomal recessive limb-girdle muscular dystrophy type 2S. Identifiers: Orphanet 369840, MedGen C4517996, MONDO:0014144, OMIM 615356.

Submission:

Labcorp Genetics (formerly Invitae), Labcorp
Classification: Uncertain significance for Autosomal recessive limb-girdle muscular dystrophy type R18. Last evaluated: 2024-12-09. Review status: criteria provided, single submitter. Criteria: Invitae Variant Classification Sherloc (09022015). Collection method: clinical testing. Allele origin: germline.
Comment: This sequence change falls in intron 12 of the TRAPPC11 gene. It does not directly change the encoded amino acid sequence of the TRAPPC11 protein. It affects a nucleotide within the consensus splice site. This variant is not present in population databases (gnomAD no frequency). This variant has not been reported in the literature in individuals affected with TRAPPC11-related conditions. ClinVar contains an entry for this variant (Variation ID: 2022072). Variants that disrupt the consensus splice site are a relatively common cause of aberrant splicing (PMID: 17576681, 9536098). Algorithms developed to predict the effect of sequence changes on RNA splicing suggest that this variant is not likely to affect RNA splicing. In summary, the available evidence is currently insufficient to determine the role of this variant in disease. Therefore, it has been classified as a Variant of Uncertain Significance.

Literature cited by the submitters: PubMed 17576681; PubMed 9536098.